The following is an entry in ClinVar:

ClinVar aggregate classification (germline): Uncertain significance. Review status: criteria provided, multiple submitters, no conflicts (2 of 4 stars). 2 submissions from 2 submitters: Uncertain significance (2). Last evaluated 2026-08-01.

gnomAD v4.1: 78 of 1,614,010 alleles (0.0048%); highest among the groups gnomAD compares: Middle Eastern, 0.033%; no homozygotes.

Submissions (2):

CeGaT Center for Human Genetics Tuebingen
Classification: Uncertain significance. Last evaluated: 2026-08-01. Review status: criteria provided, single submitter. Criteria: CeGaT Center For Human Genetics Tuebingen Variant Classification Criteria Version 2. Collection method: clinical testing. Allele origin: germline. Affected: yes. Observed: 1 variant allele.
Comment: HAVCR2: PP3

Women's Health and Genetics/Laboratory Corporation of America, LabCorp
Classification: Uncertain significance. Last evaluated: 2025-07-09. Review status: criteria provided, single submitter. Criteria: LabCorp Variant Classification Summary - May 2015. Collection method: clinical testing. Allele origin: germline.
Comment: Variant summary: HAVCR2 c.833A>G (p.Asn278Ser) results in a conservative amino acid change in the encoded protein sequence. Algorithms developed to predict the effect of missense changes on protein structure and function all suggest that this variant is likely to be tolerated. The variant allele was found at a frequency of 5.6e-05 in 251254 control chromosomes. This frequency is not significantly higher than estimated for a pathogenic variant in HAVCR2 causing Subcutaneous panniculitis-like T-cell lymphoma, allowing no conclusion about variant significance. To our knowledge, no occurrence of c.833A>G in individuals affected with Subcutaneous panniculitis-like T-cell lymphoma and no experimental evidence demonstrating its impact on protein function have been reported. No submitters have cited clinical-significance assessments for this variant to ClinVar. Based on the evidence outlined above, the variant was classified as uncertain significance.

NM_032782.5(HAVCR2):c.833A>G (p.Asn278Ser)

Gene: HAVCR2 (hepatitis A virus cellular receptor 2; minus strand). Cytogenetic location: 5q33.3.
Variant type: single nucleotide variant.
Coding change: c.833A>G on transcript NM_032782.5 (MANE Select); coding-DNA position 833, A replaced by G.
Protein change: p.Asn278Ser; replaces asparagine 278 with serine.
Molecular consequence: missense variant.
Genome position (GRCh38, 1-based): chr5:157,087,175, T>C on the plus strand (A>G on the coding strand, the complement: HAVCR2 is on the minus strand). VCF-style: chr5-157087175-T-C. GRCh37 (hg19) VCF-style: chr5-156514186-T-C.
Other names: short protein forms N278S.
Identifiers: ClinVar variation 4526052 (VCV004526052.2).